The following is an entry in ClinVar:

ClinVar aggregate classification (germline): Benign. Review status: criteria provided, multiple submitters, no conflicts (2 of 4 stars). 3 submissions from 3 submitters: Benign (2). 1 of the submissions does not count toward it. Last evaluated 2019-12-31.

Conditions:
VWA2-related disorder. Also called: VWA2-related condition.

Allele frequency attached by ClinVar (database versions not stated): ExAC 0.00730; 1000 Genomes Project 0.02276; gnomAD 0.02478 and 0.02297; gnomAD exomes 0.00235 and 0.00598; ESP Exome Variant Server 0.02637; 1000 Genomes Project 30x 0.02467; TOPMed 0.02566.
gnomAD v4.1: 7,080 of 1,613,820 alleles (0.44%); highest among the groups gnomAD compares: African/African-American, 8.2%; 267 homozygotes.

Submissions (3):

Labcorp Genetics (formerly Invitae), Labcorp
Classification: Benign. Last evaluated: 2019-12-31. Review status: criteria provided, single submitter. Criteria: Invitae Variant Classification Sherloc (09022015). Collection method: clinical testing. Allele origin: germline.

Breakthrough Genomics
Classification: Benign. Review status: criteria provided, single submitter. Criteria: ACMG Guidelines, 2015. Collection method: not provided. Allele origin: germline. Inheritance: Unknown mechanism. Affected: yes.

PreventionGenetics, part of Exact Sciences
Classification: Benign for VWA2-related condition. Last evaluated: 2019-09-19. Review status: no assertion criteria provided. Collection method: clinical testing. Allele origin: germline. Not counted in ClinVar's aggregate classification.
Comment: This variant is classified as benign based on ACMG/AMP sequence variant interpretation guidelines (Richards et al. 2015 PMID: 25741868, with internal and published modifications).

NM_001272046.2(VWA2):c.1447G>A (p.Val483Met)

Genes: AFAP1L2 (actin filament associated protein 1 like 2; minus strand), VWA2 (von Willebrand factor A domain containing 2; plus strand). Cytogenetic location: 10q25.3.
Variant type: single nucleotide variant.
Coding change: c.1447G>A on transcript NM_001272046.2 (MANE Select); coding-DNA position 1447, G replaced by A.
Protein change: p.Val483Met; replaces valine 483 with methionine.
Molecular consequence: missense variant.
Genome position (GRCh38, 1-based): chr10:114,286,388, G>A. VCF-style: chr10-114286388-G-A. GRCh37 (hg19) VCF-style: chr10-116046147-G-A.
Other names: c.1447G>A, p.Val483Met (NM_001320804.1); short protein forms V483M.
Identifiers: ClinVar variation 780912 (VCV000780912.7), dbSNP rs74943198, ClinGen allele CA5700697.
Genomic context (GRCh38, chr10:114,286,388, plus strand): 5'-GGCCCAGCGCGTCACGCAAGGGCGCGAGAGCTGCTCCTGCTGGGTGTAGGCAGTGAGGCC[G>A]TGCGGGCAGAGCTGGAGGAGATCACAGGCAGCCCAAAGCATGTGATGGTCTACTCGGATC-3'
Protein context (NP_001258975.1, residues 473-493): LLLLGVGSEA[Val483Met]RAELEEITGS